The following is an entry in ClinVar:

NM_001160372.4(TRAPPC9):c.1911G>A (p.Pro637=)

Gene: TRAPPC9 (trafficking protein particle complex subunit 9; minus strand). Cytogenetic location: 8q24.3.
Variant type: single nucleotide variant.
Coding change: c.1911G>A on transcript NM_001160372.4 (MANE Select); coding-DNA position 1911, G replaced by A.
Protein change: p.Pro637=; no amino-acid change (proline 637 retained).
Molecular consequence: synonymous variant. On other transcripts: non-coding transcript variant (1).
Genome position (GRCh38, 1-based): chr8:140,287,678, C>T on the plus strand (G>A on the coding strand, the complement: TRAPPC9 is on the minus strand). VCF-style: chr8-140287678-C-T. GRCh37 (hg19) VCF-style: chr8-141297777-C-T.
Other names: c.1884G>A, p.Pro628= (NM_001321646.2); c.1932G>A, p.Pro644= (NM_001374682.1); c.1911G>A, p.Pro637= (NM_001374683.1, NM_031466.8); c.1767G>A, p.Pro589= (NM_001374684.1); c.2205G>A (NM_031466.7).
Identifiers: ClinVar variation 1575157 (VCV001575157.11), dbSNP rs148353187, ClinGen allele CA4893272.

ClinVar aggregate classification (germline): Conflicting classifications of pathogenicity. Review status: criteria provided, conflicting classifications (1 of 4 stars). 3 submissions from 3 submitters: Uncertain significance (1); Likely benign (2). Last evaluated 2025-10-27.

Conditions:
TRAPPC9-related disorder. Also called: TRAPPC9-related condition.
Inborn genetic diseases. Identifiers: MedGen C0950123, MeSH D030342.

Allele frequency attached by ClinVar (database versions not stated): ESP Exome Variant Server 0.00015.
gnomAD v4.1: 131 of 1,614,178 alleles (0.0081%); highest among the groups gnomAD compares: African/African-American, 0.021%; no homozygotes.

Submissions (3):

Labcorp Genetics (formerly Invitae), Labcorp
Classification: Likely benign. Last evaluated: 2025-10-27. Review status: criteria provided, single submitter. Criteria: Invitae Variant Classification Sherloc (09022015). Collection method: clinical testing. Allele origin: germline.

PreventionGenetics, part of Exact Sciences
Classification: Likely benign for TRAPPC9-related condition. Last evaluated: 2024-10-28. Review status: criteria provided, single submitter. Criteria: ACMG Guidelines, 2015. Collection method: clinical testing. Allele origin: germline.
Comment: This variant is classified as likely benign based on ACMG/AMP sequence variant interpretation guidelines (Richards et al. 2015 PMID: 25741868, with internal and published modifications).

Ambry Genetics
Classification: Uncertain significance for Inborn genetic diseases. Last evaluated: 2017-11-29. Review status: criteria provided, single submitter. Criteria: Ambry Variant Classification Scheme 2023. Collection method: clinical testing. Allele origin: germline.
Comment: The c.2205G>A variant (also known as p.P735P), located in coding exon 13, results from a G to A substitution at nucleotide position 2205 of the TRAPPC9 gene. This nucleotide substitution does not change the amino acid at codon 735. This nucleotide position is not well conserved in available vertebrate species. Using the BDGP, ESEfinder, HSF, and MaxEnt splice site prediction tools, this alteration is predicted to create a new alternate splice acceptor site; however, direct evidence is unavailable. Since supporting evidence is limited at this time, the clinical significance of this alteration remains unclear.